The following is an entry in ClinVar:

ClinVar aggregate classification (germline): Uncertain significance (1 of 4 stars; one submission).

Submission:

GeneDx
Classification: Uncertain significance. Last evaluated: 2023-12-11. Review status: criteria provided, single submitter. Criteria: GeneDx Variant Classification Process June 2021. Collection method: clinical testing. Allele origin: germline. Affected: yes.
Comment: Not observed at significant frequency in large population cohorts (gnomAD); In silico analysis supports that this missense variant does not alter protein structure/function; Has not been previously published as pathogenic or benign to our knowledge; Variants in candidate genes are classified as variants of uncertain significance in accordance with ACMG guidelines (PMID: 25741868)

NM_000718.4(CACNA1B):c.4666G>A (p.Ala1556Thr)

Gene: CACNA1B (calcium voltage-gated channel subunit alpha1 B; plus strand). Cytogenetic location: 9q34.3.
Variant type: single nucleotide variant.
Coding change: c.4666G>A on transcript NM_000718.4 (MANE Select); coding-DNA position 4666, G replaced by A.
Protein change: p.Ala1556Thr; replaces alanine 1556 with threonine.
Molecular consequence: missense variant.
Genome position (GRCh38, 1-based): chr9:138,059,735, G>A. VCF-style: chr9-138059735-G-A. GRCh37 (hg19) VCF-style: chr9-140954187-G-A.
Other names: c.4666G>A, p.Ala1556Thr (NM_001243812.2); short protein forms A1556T.
Identifiers: ClinVar variation 3253561 (VCV003253561.1), dbSNP rs2539461662.